The following is an entry in ClinVar:

NM_000804.4(FOLR3):c.93G>A (p.Thr31=)

Gene: FOLR3 (folate receptor gamma; plus strand). Cytogenetic location: 11q13.4.
Variant type: single nucleotide variant.
Coding change: c.93G>A on transcript NM_000804.4 (MANE Select); coding-DNA position 93, G replaced by A.
Protein change: p.Thr31=; no amino-acid change (threonine 31 retained).
Molecular consequence: synonymous variant. On other transcripts: non-coding transcript variant (1).
Genome position (GRCh38, 1-based): chr11:72,136,045, G>A. VCF-style: chr11-72136045-G-A. GRCh37 (hg19) VCF-style: chr11-71847091-G-A.
Other names: c.-309G>A (NM_001318045.2); c.93G>A, p.Thr31= (NM_001412270.1).
Identifiers: ClinVar variation 3049026 (VCV003049026.2), dbSNP rs375678047, ClinGen allele CA6168833.

ClinVar aggregate classification (germline): Likely benign (0 of 4 stars; one submission).

Conditions:
FOLR3-related disorder. Also called: FOLR3-related condition.

Allele frequency attached by ClinVar (database versions not stated): ESP Exome Variant Server 0.00008.
gnomAD v4.1: 99 of 1,613,868 alleles (0.0061%); highest among the groups gnomAD compares: East Asian, 0.029%; no homozygotes.

Submission:

PreventionGenetics, part of Exact Sciences
Classification: Likely benign for FOLR3-related condition. Last evaluated: 2021-12-28. Review status: no assertion criteria provided. Collection method: clinical testing. Allele origin: germline.
Comment: This variant is classified as likely benign based on ACMG/AMP sequence variant interpretation guidelines (Richards et al. 2015 PMID: 25741868, with internal and published modifications).